The following is an entry in ClinVar:

NM_000142.5(FGFR3):c.1846A>G (p.Arg616Gly)

Gene: FGFR3 (fibroblast growth factor receptor 3; plus strand). Cytogenetic location: 4p16.3.
Variant type: single nucleotide variant.
Coding change: c.1846A>G on transcript NM_000142.5 (MANE Select); coding-DNA position 1846, A replaced by G.
Protein change: p.Arg616Gly; replaces arginine 616 with glycine.
Molecular consequence: missense variant. On other transcripts: non-coding transcript variant (1).
Genome position (GRCh38, 1-based): chr4:1,806,060, A>G. VCF-style: chr4-1806060-A-G. GRCh37 (hg19) VCF-style: chr4-1807787-A-G.
Other names: c.1852A>G, p.Arg618Gly (NM_001163213.2); c.1849A>G, p.Arg617Gly (NM_001354809.2, NM_001354810.2); c.1510A>G, p.Arg504Gly (NM_022965.4); short protein forms R504G, R616G, R617G, R618G.
Identifiers: ClinVar variation 4086375 (VCV004086375.1).

ClinVar aggregate classification (germline): Uncertain significance (1 of 4 stars; one submission).

Submission:

GeneDx
Classification: Uncertain significance. Last evaluated: 2025-03-20. Review status: criteria provided, single submitter. Criteria: GeneDx Variant Classification Process June 2021. Collection method: clinical testing. Allele origin: germline. Affected: yes.
Comment: Not observed at significant frequency in large population cohorts (gnomAD); In silico analysis supports that this missense variant has a deleterious effect on protein structure/function; Has not been previously published as pathogenic or benign to our knowledge